The following is an entry in ClinVar:

NM_014290.3(TDRD7):c.2079+9G>A

Gene: TDRD7 (tudor domain containing 7; plus strand). Cytogenetic location: 9q22.33.
Variant type: single nucleotide variant.
Coding change: c.2079+9G>A on transcript NM_014290.3 (MANE Select); 9 bases into the intron after coding-DNA position 2079, G replaced by A.
Molecular consequence: intron variant.
Genome position (GRCh38, 1-based): chr9:97,473,635, G>A. VCF-style: chr9-97473635-G-A. GRCh37 (hg19) VCF-style: chr9-100235917-G-A.
Other names: c.1857+9G>A (NM_001302884.2).
Identifiers: ClinVar variation 471808 (VCV000471808.12), dbSNP rs375910025, ClinGen allele CA5146818.

ClinVar aggregate classification (germline): Benign. Review status: criteria provided, single submitter (1 of 4 stars). 2 submissions from 2 submitters: Benign (1). 1 of the submissions does not count toward it. Last evaluated 2025-09-06.

Conditions:
Cataract 36. Identifiers: MedGen C3151304, MONDO:0013484, OMIM 613887.
TDRD7-related disorder. Also called: TDRD7-related condition.

Allele frequency attached by ClinVar (database versions not stated): gnomAD exomes 0.00013 and 0.00030; ExAC 0.00035; 1000 Genomes Project 0.00040; 1000 Genomes Project 30x 0.00047; ESP Exome Variant Server 0.00131; gnomAD 0.00154 and 0.00169; TOPMed 0.00154.
gnomAD v4.1: 431 of 1,613,502 alleles (0.027%); highest among the groups gnomAD compares: African/African-American, 0.54%; no homozygotes.

Submissions (2):

Labcorp Genetics (formerly Invitae), Labcorp
Classification: Benign for Cataract 36. Last evaluated: 2025-09-06. Review status: criteria provided, single submitter. Criteria: Invitae Variant Classification Sherloc (09022015). Collection method: clinical testing. Allele origin: germline.

PreventionGenetics, part of Exact Sciences
Classification: Likely benign for TDRD7-related condition. Last evaluated: 2024-07-10. Review status: no assertion criteria provided. Collection method: clinical testing. Allele origin: germline. Not counted in ClinVar's aggregate classification.
Comment: This variant is classified as likely benign based on ACMG/AMP sequence variant interpretation guidelines (Richards et al. 2015 PMID: 25741868, with internal and published modifications).